The following is an entry in ClinVar:

NM_001352754.2(ARMC9):c.1351G>A (p.Ala451Thr)

Gene: ARMC9 (armadillo repeat containing 9; plus strand). Cytogenetic location: 2q37.1.
Variant type: single nucleotide variant.
Coding change: c.1351G>A on transcript NM_001352754.2 (MANE Select); coding-DNA position 1351, G replaced by A.
Protein change: p.Ala451Thr; replaces alanine 451 with threonine.
Molecular consequence: missense variant. On other transcripts: non-coding transcript variant (1).
Genome position (GRCh38, 1-based): chr2:231,276,652, G>A. VCF-style: chr2-231276652-G-A. GRCh37 (hg19) VCF-style: chr2-232141365-G-A.
Other names: c.1351G>A, p.Ala451Thr (NM_001271466.4, NM_001291656.2, NM_001352755.2 and 3 more transcripts); c.1252G>A, p.Ala418Thr (NM_001352757.2, NM_001352758.2); short protein forms A418T, A451T.
Identifiers: ClinVar variation 2575684 (VCV002575684.1), dbSNP rs770103113, ClinGen allele CA2160309.

ClinVar aggregate classification (germline): Uncertain significance (1 of 4 stars; one submission).

Allele frequency attached by ClinVar (database versions not stated): gnomAD exomes 0.00001; TOPMed 0.00001; ExAC 0.00002; gnomAD 0.00003.
gnomAD v4.1: 23 of 1,614,072 alleles (0.0014%); highest among the groups gnomAD compares: Non-Finnish European, 0.00059%; no homozygotes.

Submission:

GeneDx
Classification: Uncertain significance. Last evaluated: 2023-02-13. Review status: criteria provided, single submitter. Criteria: GeneDx Variant Classification Process June 2021. Collection method: clinical testing. Allele origin: germline. Affected: yes.
Comment: In silico analysis supports that this missense variant does not alter protein structure/function; Has not been previously published as pathogenic or benign to our knowledge